The following is an entry in ClinVar:

NM_003072.5(SMARCA4):c.1909G>A (p.Gly637Arg)

Gene: SMARCA4 (SWI/SNF related BAF chromatin remodeling complex subunit ATPase 4; plus strand). Cytogenetic location: 19p13.2.
Variant type: single nucleotide variant.
Coding change: c.1909G>A on transcript NM_003072.5 (MANE Select); coding-DNA position 1909, G replaced by A.
Protein change: p.Gly637Arg; replaces glycine 637 with arginine.
Molecular consequence: missense variant. On other transcripts: non-coding transcript variant (1).
Genome position (GRCh38, 1-based): chr19:11,003,125, G>A. VCF-style: chr19-11003125-G-A. GRCh37 (hg19) VCF-style: chr19-11113801-G-A.
Other names: c.1909G>A, p.Gly637Arg (NM_001374457.1, NM_001128844.3, NM_001128845.2 and 4 more transcripts); short protein forms G637R.
Identifiers: ClinVar variation 820319 (VCV000820319.17), dbSNP rs917552239, ClinGen allele CA305256319.

ClinVar aggregate classification (germline): Conflicting classifications of pathogenicity. Review status: criteria provided, conflicting classifications (1 of 4 stars). 3 submissions from 3 submitters: Uncertain significance (2); Likely benign (1). Last evaluated 2024-03-24.

Conditions:
Intellectual disability, autosomal dominant 16 (CSS4). Also called: COFFIN-SIRIS SYNDROME 4. Identifiers: Orphanet 1465, MedGen C3553249, MONDO:0013821, OMIM 614609.
Rhabdoid tumor predisposition syndrome 2 (RTPS2). Identifiers: Orphanet 231108, Orphanet 69077, MedGen C2750074, MONDO:0013224, OMIM 613325.
Hereditary cancer-predisposing syndrome. Also called: Neoplastic Syndromes, Hereditary; Tumor predisposition; Hereditary Cancer Syndrome; Hereditary neoplastic syndrome. Identifiers: Orphanet 140162, MedGen C0027672, MeSH D009386, MONDO:0015356.

Allele frequency attached by ClinVar (database versions not stated): gnomAD exomes below 0.00001; TOPMed below 0.00001; gnomAD 0.00001.
gnomAD v4.1: 4 of 1,614,008 alleles (0.00025%); highest among the groups gnomAD compares: African/African-American, 0.0013%; no homozygotes.

Submissions (3):

Ambry Genetics
Classification: Likely benign for Hereditary cancer-predisposing syndrome. Last evaluated: 2024-03-24. Review status: criteria provided, single submitter. Criteria: Ambry Variant Classification Scheme 2023. Collection method: clinical testing. Allele origin: germline.

Labcorp Genetics (formerly Invitae), Labcorp
Classification: Uncertain significance for Rhabdoid tumor predisposition syndrome 2. Last evaluated: 2023-08-14. Review status: criteria provided, single submitter. Criteria: Invitae Variant Classification Sherloc (09022015). Collection method: clinical testing. Allele origin: germline.
Comment: In summary, the available evidence is currently insufficient to determine the role of this variant in disease. Therefore, it has been classified as a Variant of Uncertain Significance. Advanced modeling of protein sequence and biophysical properties (such as structural, functional, and spatial information, amino acid conservation, physicochemical variation, residue mobility, and thermodynamic stability) performed at Invitae indicates that this missense variant is not expected to disrupt SMARCA4 protein function. ClinVar contains an entry for this variant (Variation ID: 820319). This variant has not been reported in the literature in individuals affected with SMARCA4-related conditions. This variant is not present in population databases (gnomAD no frequency). This sequence change replaces glycine, which is neutral and non-polar, with arginine, which is basic and polar, at codon 637 of the SMARCA4 protein (p.Gly637Arg).

Genome-Nilou Lab
Classification: Uncertain significance for Intellectual disability, autosomal dominant 16. Last evaluated: 2021-07-15. Review status: criteria provided, single submitter. Criteria: ACMG Guidelines, 2015. Collection method: clinical testing. Allele origin: germline. Affected: no.